The following is an entry in ClinVar:

NM_024915.4(GRHL2):c.412C>T (p.Gln138Ter)

Gene: GRHL2 (grainyhead like transcription factor 2; plus strand). Cytogenetic location: 8q22.3.
Variant type: single nucleotide variant.
Coding change: c.412C>T on transcript NM_024915.4 (MANE Select); coding-DNA position 412, C replaced by T.
Protein change: p.Gln138Ter; replaces glutamine 138 with a stop codon.
Molecular consequence: nonsense.
Genome position (GRCh38, 1-based): chr8:101,558,546, C>T. VCF-style: chr8-101558546-C-T. GRCh37 (hg19) VCF-style: chr8-102570774-C-T.
Other names: c.364C>T, p.Gln122Ter (NM_001330593.2); short protein forms Q122*, Q138*.
Identifiers: ClinVar variation 4056875 (VCV004056875.1).

ClinVar aggregate classification (germline): Pathogenic (1 of 4 stars; one submission).

Submission:

GeneDx
Classification: Pathogenic. Last evaluated: 2025-01-14. Review status: criteria provided, single submitter. Criteria: GeneDx Variant Classification Process June 2021. Collection method: clinical testing. Allele origin: germline. Affected: yes.
Comment: Nonsense variant predicted to result in protein truncation or nonsense mediated decay in a gene for which loss of function is a known mechanism of disease; Not observed at significant frequency in large population cohorts (gnomAD); Has not been previously published as pathogenic or benign to our knowledge